The following is an entry in ClinVar:

ClinVar aggregate classification (germline): Benign (1 of 4 stars; one submission).

Submission:

GeneDx
Classification: Benign. Last evaluated: 2018-06-14. Review status: criteria provided, single submitter. Criteria: GeneDx Variant Classification (06012015). Collection method: clinical testing. Allele origin: germline. Affected: yes.
Comment: This variant is considered likely benign or benign based on one or more of the following criteria: it is a conservative change, it occurs at a poorly conserved position in the protein, it is predicted to be benign by multiple in silico algorithms, and/or has population frequency not consistent with disease.

NM_000393.5(COL5A2):c.568-276_568-272dup

Gene: COL5A2 (collagen type V alpha 2 chain; minus strand). Cytogenetic location: 2q32.2.
Variant type: Duplication.
Coding change: c.568-276_568-272dup on transcript NM_000393.5 (MANE Select); 276 bases into the intron before coding-DNA position 568 through 272 bases into the intron before coding-DNA position 568, 5 bases duplicated (ATCCA; older notation c.568-276_568-272dupATCCA).
Molecular consequence: intron variant.
Genome position (GRCh38, 1-based): chr2:189,089,044-189,089,048, TGGAT duplicated on the plus strand (ATCCA on the coding strand, the reverse complement: COL5A2 is on the minus strand); duplicating any 5 consecutive bases within chr2:189,089,044-189,089,050 gives the same sequence; the c. name uses the placement nearest the transcript's 3' end. VCF-style (leftmost placement, unchanged base first): chr2-189089043-A-ATGGAT. GRCh37 (hg19) VCF-style: chr2-189953769-A-ATGGAT.
Identifiers: ClinVar variation 681242 (VCV000681242.1), dbSNP rs141172366, ClinGen allele CA62569892.